The following is an entry in ClinVar:

ClinVar aggregate classification (germline): Benign (1 of 4 stars; one submission).

Allele frequency attached by ClinVar (database versions not stated): ExAC 0.02354; gnomAD 0.03410 and 0.03606; 1000 Genomes Project 0.03514; 1000 Genomes Project 30x 0.03560; ESP Exome Variant Server 0.03752; TOPMed 0.03847; gnomAD exomes 0.01786.
gnomAD v4.1: 22,872 of 1,434,060 alleles (1.6%); highest among the groups gnomAD compares: African/African-American, 9.4%; 419 homozygotes.

Submission:

GeneDx
Classification: Benign. Last evaluated: 2018-06-14. Review status: criteria provided, single submitter. Criteria: GeneDx Variant Classification (06012015). Collection method: clinical testing. Allele origin: germline. Affected: yes.
Comment: This variant is considered likely benign or benign based on one or more of the following criteria: it is a conservative change, it occurs at a poorly conserved position in the protein, it is predicted to be benign by multiple in silico algorithms, and/or has population frequency not consistent with disease.

NM_032119.4(ADGRV1):c.7133+48G>A

Gene: ADGRV1 (adhesion G protein-coupled receptor V1; plus strand). Cytogenetic location: 5q14.3.
Variant type: single nucleotide variant.
Coding change: c.7133+48G>A on transcript NM_032119.4 (MANE Select); 48 bases into the intron after coding-DNA position 7133, G replaced by A.
Molecular consequence: intron variant.
Genome position (GRCh38, 1-based): chr5:90,692,834, G>A. VCF-style: chr5-90692834-G-A. GRCh37 (hg19) VCF-style: chr5-89988651-G-A.
Identifiers: ClinVar variation 676657 (VCV000676657.1), dbSNP rs73193236, ClinGen allele CA3339974.
Genomic context (GRCh38, chr5:90,692,834, plus strand): 5'-CTGTCAGGCGAAGGTATATGAGATAGCTACTTGCCTCTGTGGGAGTGATGAGAATTGTGG[G>A]GTGGTGGGGAAGGATCCCTTGCACAGTTAAATCATTTAGGTTTTGTGGTTTTTTCTATGC-3'